The following is an entry in ClinVar:

ClinVar aggregate classification (germline): Likely pathogenic (1 of 4 stars; one submission).

Conditions:
Hereditary spastic paraplegia 4. Also called: Spastic Paraplegia 4; Spastic paraplegia 4, autosomal dominant; Familial spastic paraplegia autosomal dominant 2. Identifiers: Orphanet 100985, MedGen C1866855, MONDO:0008438, OMIM 182601.

Submission:

Labcorp Genetics (formerly Invitae), Labcorp
Classification: Likely pathogenic for Hereditary spastic paraplegia 4. Last evaluated: 2022-06-09. Review status: criteria provided, single submitter. Criteria: Invitae Variant Classification Sherloc (09022015). Collection method: clinical testing. Allele origin: germline.
Comment: This missense change has been observed in individuals with hereditary spastic paraplegia (PMID: 24451228; Invitae). In summary, the currently available evidence indicates that the variant is pathogenic, but additional data are needed to prove that conclusively. Therefore, this variant has been classified as Likely Pathogenic. Advanced modeling of protein sequence and biophysical properties (such as structural, functional, and spatial information, amino acid conservation, physicochemical variation, residue mobility, and thermodynamic stability) performed at Invitae indicates that this missense variant is expected to disrupt SPAST protein function. ClinVar contains an entry for this variant (Variation ID: 940018). This variant is not present in population databases (gnomAD no frequency). This sequence change replaces leucine, which is neutral and non-polar, with proline, which is neutral and non-polar, at codon 549 of the SPAST protein (p.Leu549Pro).

Literature cited by the submitters: PubMed 24451228.

NM_014946.4(SPAST):c.1646T>C (p.Leu549Pro)

Gene: SPAST (spastin; plus strand). Cytogenetic location: 2p22.3.
Variant type: single nucleotide variant.
Coding change: c.1646T>C on transcript NM_014946.4 (MANE Select); coding-DNA position 1646, T replaced by C.
Protein change: p.Leu549Pro; replaces leucine 549 with proline.
Molecular consequence: missense variant. On other transcripts: intron variant (1).
Genome position (GRCh38, 1-based): chr2:32,144,966, T>C. VCF-style: chr2-32144966-T-C. GRCh37 (hg19) VCF-style: chr2-32370035-T-C.
Other names: c.1643T>C, p.Leu548Pro (NM_001363823.2); c.1547T>C, p.Leu516Pro (NM_001363875.2); c.1550T>C, p.Leu517Pro (NM_199436.2); c.1520+1551T>C (NM_001377959.1); short protein forms L516P, L549P, L548P, L517P.
Identifiers: ClinVar variation 940018 (VCV000940018.9), dbSNP rs1553319534, ClinGen allele CA346504215.
Genomic context (GRCh38, chr2:32,144,966, plus strand): 5'-TAATTTGCTGTTTCTTCCTTCCCTTCCTCAGAATGACTGATGGATACTCAGGAAGTGACC[T>C]AACAGCTTTGGCAAAAGATGCAGCACTGGGTCCTATCCGAGGTAGGTATACAAGAGCTTA-3'
Protein context (NP_055761.2, residues 539-559): RMTDGYSGSD[Leu549Pro]TALAKDAALG